The following is an entry in ClinVar:

ClinVar aggregate classification (germline): Uncertain significance (1 of 4 stars; one submission).

Conditions:
DICER1-related tumor predisposition. Also called: DICER1 syndrome; DICER1-related pleuropulmonary blastoma cancer predisposition syndrome. Identifiers: Orphanet 284343, MedGen C3839822, MONDO:0100216.

Submission:

Labcorp Genetics (formerly Invitae), Labcorp
Classification: Uncertain significance for DICER1-related tumor predisposition. Last evaluated: 2020-11-15. Review status: criteria provided, single submitter. Criteria: Invitae Variant Classification Sherloc (09022015). Collection method: clinical testing. Allele origin: germline.
Comment: In summary, the available evidence is currently insufficient to determine the role of this variant in disease. Therefore, it has been classified as a Variant of Uncertain Significance. Algorithms developed to predict the effect of missense changes on protein structure and function (SIFT, PolyPhen-2, Align-GVGD) all suggest that this variant is likely to be tolerated, but these predictions have not been confirmed by published functional studies and their clinical significance is uncertain. This variant has not been reported in the literature in individuals with DICER1-related conditions. This variant is not present in population databases (ExAC no frequency). This sequence change replaces serine with threonine at codon 1488 of the DICER1 protein (p.Ser1488Thr). The serine residue is weakly conserved and there is a small physicochemical difference between serine and threonine.

NM_177438.3(DICER1):c.4462T>A (p.Ser1488Thr)

Gene: DICER1 (dicer 1, ribonuclease III; minus strand). Cytogenetic location: 14q32.13.
Variant type: single nucleotide variant.
Coding change: c.4462T>A on transcript NM_177438.3 (MANE Select); coding-DNA position 4462, T replaced by A.
Protein change: p.Ser1488Thr; replaces serine 1488 with threonine.
Molecular consequence: missense variant.
Genome position (GRCh38, 1-based): chr14:95,096,458, A>T on the plus strand (T>A on the coding strand, the complement: DICER1 is on the minus strand). VCF-style: chr14-95096458-A-T. GRCh37 (hg19) VCF-style: chr14-95562795-A-T.
Other names: c.4462T>A, p.Ser1488Thr (NM_001195573.1, NM_001271282.3, NM_001291628.2 and 1 more transcripts); short protein forms S1488T.
Identifiers: ClinVar variation 1362449 (VCV001362449.9), dbSNP rs2139849969, ClinGen allele CA390868317.